The following is an entry in ClinVar:

ClinVar aggregate classification (germline): conflicting data from submitters (0 of 4 stars; one submission).

Submission:

ISCA site 1
Classification: conflicting data from submitters. Last evaluated: 2011-11-04. Review status: no assertion criteria provided. Collection method: clinical testing. Allele origin: unknown. Affected: yes. Observed: 2 variant alleles.
Comment: Uncertain significance(1), Likely benign (1)

Copy number variation identified through the course of routine clinical cytogenomic testing in postnatal populations, with clinical assertions as classified by the original submitter. For data from the original published study, Kaminsky, et al. 2011 (PubMed 21844811), please see nstd101.

GRCh38/hg38 Xp21.1(chrX:31870708-31898871)x1

Gene: DMD (dystrophin; minus strand). Cytogenetic location: Xp21.1.
Variant type: copy number loss.
Change: copy number 1 of chrX:31,870,708-31,898,871 (28.2 kb, GRCh38 coordinates, 1-based), cytogenetic band Xp21.1.
Identifiers: ClinVar variation 148554 (VCV000148554.2).